The following is an entry in ClinVar:

NM_015272.5(RPGRIP1L):c.2092_2095del (p.Leu698fs)

Gene: RPGRIP1L (RPGRIP1 like; minus strand). Cytogenetic location: 16q12.2.
Variant type: Deletion.
Coding change: c.2092_2095del on transcript NM_015272.5 (MANE Select); coding-DNA positions 2092 to 2095, 4 bases deleted (TTAA; older notation c.2092_2095delTTAA).
Protein change: p.Leu698fs; shifts the reading frame from leucine 698.
Molecular consequence: frameshift variant.
Genome position (GRCh38, 1-based): chr16:53,652,592-53,652,595, TTAA deleted on the plus strand (TTAA on the coding strand, the reverse complement: RPGRIP1L is on the minus strand); deleting any 4 consecutive bases within chr16:53,652,592-53,652,597 gives the same sequence; the c. name uses the placement nearest the transcript's 3' end. VCF-style (leftmost placement, unchanged base first): chr16-53652591-TTTAA-T. GRCh37 (hg19) VCF-style: chr16-53686503-TTTAA-T.
Other names: c.2092_2095del, p.Leu698fs (NM_001127897.4, NM_001308334.3, NM_001330538.2); c.2092_2095del (NM_015272.4); short protein forms L698fs.
Identifiers: ClinVar variation 2082550 (VCV002082550.6), dbSNP rs2544203421, ClinGen allele CA2580091680.

ClinVar aggregate classification (germline): Pathogenic/Likely pathogenic. Review status: criteria provided, multiple submitters, no conflicts (2 of 4 stars). 2 submissions from 2 submitters: Pathogenic (1); Likely pathogenic (1). Last evaluated 2025-03-27.

Conditions:
Joubert syndrome. Also called: CEREBELLOPARENCHYMAL DISORDER IV; JOUBERT-BOLTSHAUSER SYNDROME; Familial aplasia of the vermis. Identifiers: Orphanet 475, MedGen C5979921, MONDO:0018772.
Meckel-Gruber syndrome. Also called: DYSENCEPHALIA SPLANCHNOCYSTICA; GRUBER SYNDROME; Dysencephalia splachnocystica. Identifiers: Orphanet 564, MedGen C0265215, MONDO:0018921.

Submissions (2):

Natera, Inc.
Classification: Likely pathogenic for Joubert syndrome. Last evaluated: 2025-03-27. Review status: criteria provided, single submitter. Criteria: Natera Variant Classification Schema (03/2026). Collection method: clinical testing. Allele origin: germline.
Comment: The c.2092_2095del variant in RPGRIP1L is a frameshift variant predicted to shift the reading frame beginning at codon 698 and leads to a stop codon 18 codons downstream. This variant is expected to result in nonsense mediated decay, truncation, or a dysfunctional protein product. This variant is rare in the general population with a frequency below the threshold expected for the associated phenotype(s). Given the available evidence, this variant is classified as Likely Pathogenic.

Labcorp Genetics (formerly Invitae), Labcorp
Classification: Pathogenic for Joubert syndrome; Meckel-Gruber syndrome. Last evaluated: 2022-02-02. Review status: criteria provided, single submitter. Criteria: Invitae Variant Classification Sherloc (09022015). Collection method: clinical testing. Allele origin: germline.
Comment: This sequence change creates a premature translational stop signal (p.Leu698Asnfs*18) in the RPGRIP1L gene. It is expected to result in an absent or disrupted protein product. Loss-of-function variants in RPGRIP1L are known to be pathogenic (PMID: 17558409). This variant is not present in population databases (gnomAD no frequency). This variant has not been reported in the literature in individuals affected with RPGRIP1L-related conditions. For these reasons, this variant has been classified as Pathogenic.

Literature cited by the submitters: PubMed 17558409 (cited by Labcorp Genetics (formerly Invitae), Labcorp).